The following is an entry in ClinVar:

NM_001458.5(FLNC):c.1528A>C (p.Lys510Gln)

Gene: FLNC (filamin C; plus strand). Cytogenetic location: 7q32.1.
Variant type: single nucleotide variant.
Coding change: c.1528A>C on transcript NM_001458.5 (MANE Select); coding-DNA position 1528, A replaced by C.
Protein change: p.Lys510Gln; replaces lysine 510 with glutamine.
Molecular consequence: missense variant.
Genome position (GRCh38, 1-based): chr7:128,840,139, A>C. VCF-style: chr7-128840139-A-C. GRCh37 (hg19) VCF-style: chr7-128480193-A-C.
Other names: c.1528A>C, p.Lys510Gln (NM_001127487.2); short protein forms K510Q.
Identifiers: ClinVar variation 424119 (VCV000424119.17), dbSNP rs955475416, ClinGen allele CA16618350.

ClinVar aggregate classification (germline): Uncertain significance. Review status: criteria provided, multiple submitters, no conflicts (2 of 4 stars). 4 submissions from 4 submitters: Uncertain significance (4). Last evaluated 2025-11-24.

Conditions:
Cardiovascular phenotype. Identifiers: MedGen CN230736.
Myofibrillar myopathy 5. Also called: Filaminopathy (type); FILAMINOPATHY, AUTOSOMAL DOMINANT. Identifiers: Orphanet 171445, MedGen C1836050, MONDO:0012289, OMIM 609524.
Hypertrophic cardiomyopathy 26. Also called: Cardiomyopathy, familial hypertrophic, 26. Identifiers: Orphanet 75249, MedGen C4310749, MONDO:0014883, OMIM 617047.
Distal myopathy with posterior leg and anterior hand involvement. Also called: WILLIAMS DISTAL MYOPATHY. Identifiers: Orphanet 63273, MedGen C3279722, MONDO:0013550, OMIM 614065.

Allele frequency attached by ClinVar (database versions not stated): gnomAD 0.00002 and 0.00003; gnomAD exomes 0.00002; TOPMed 0.00003.
gnomAD v4.1: 39 of 1,613,846 alleles (0.0024%); highest among the groups gnomAD compares: Non-Finnish European, 0.0031%; no homozygotes.

Submissions (4):

Ambry Genetics
Classification: Uncertain significance for Cardiovascular phenotype. Last evaluated: 2025-11-24. Review status: criteria provided, single submitter. Criteria: Ambry Variant Classification Scheme 2023. Collection method: clinical testing. Allele origin: germline.
Comment: The p.K510Q variant (also known as c.1528A>C), located in coding exon 9 of the FLNC gene, results from an A to C substitution at nucleotide position 1528. The lysine at codon 510 is replaced by glutamine, an amino acid with similar properties. This amino acid position is not well conserved in available vertebrate species. In addition, this alteration is predicted to be tolerated by in silico analysis. Since supporting evidence is limited at this time, the clinical significance of this alteration remains unclear.

Labcorp Genetics (formerly Invitae), Labcorp
Classification: Uncertain significance for Distal myopathy with posterior leg and anterior hand involvement; Myofibrillar myopathy 5; Hypertrophic cardiomyopathy 26. Last evaluated: 2025-11-03. Review status: criteria provided, single submitter. Criteria: Invitae Variant Classification Sherloc (09022015). Collection method: clinical testing. Allele origin: germline.
Comment: This sequence change replaces lysine, which is basic and polar, with glutamine, which is neutral and polar, at codon 510 of the FLNC protein (p.Lys510Gln). This variant is present in population databases (no rsID available, gnomAD 0.004%). This variant has not been reported in the literature in individuals affected with FLNC-related conditions. ClinVar contains an entry for this variant (Variation ID: 424119). Invitae Evidence Modeling of protein sequence and biophysical properties (such as structural, functional, and spatial information, amino acid conservation, physicochemical variation, residue mobility, and thermodynamic stability) has been performed for this missense variant. However, the output from this modeling did not meet the statistical confidence thresholds required to predict the impact of this variant on FLNC protein function. In summary, the available evidence is currently insufficient to determine the role of this variant in disease. Therefore, it has been classified as a Variant of Uncertain Significance.

Revvity Omics, Revvity
Classification: Uncertain significance. Last evaluated: 2023-09-23. Review status: criteria provided, single submitter. Criteria: ACMG Guidelines, 2015. Collection method: clinical testing. Allele origin: germline.

GeneDx
Classification: Uncertain significance. Last evaluated: 2018-08-30. Review status: criteria provided, single submitter. Criteria: GeneDx Variant Classification (06012015). Collection method: clinical testing. Allele origin: germline. Affected: yes.
Comment: The K510Q variant of uncertain significance in the FLNC gene has not been published as pathogenic or been reported as benign to our knowledge. This variant is observed in 5/246044 (0.002%) alleles from individuals of multiple ethnic backgrounds in large population cohorts (Lek et al., 2016). The K510Q variant is a semi-conservative amino acid substitution, which may impact secondary protein structure as these residues differ in some properties. In-silico analyses, including protein predictors and evolutionary conservation, support a deleterious effect. However, based on the currently available information, it is unclear whether this variant is pathogenic or rare benign.